The following is an entry in ClinVar:

NM_024675.4(PALB2):c.2586+81C>T

Gene: PALB2 (partner and localizer of BRCA2; minus strand). Cytogenetic location: 16p12.2.
Variant type: single nucleotide variant.
Coding change: c.2586+81C>T on transcript NM_024675.4 (MANE Select); 81 bases into the intron after coding-DNA position 2586, C replaced by T.
Molecular consequence: intron variant.
Genome position (GRCh38, 1-based): chr16:23,629,123, G>A on the plus strand (C>T on the coding strand, the complement: PALB2 is on the minus strand). VCF-style: chr16-23629123-G-A. GRCh37 (hg19) VCF-style: chr16-23640444-G-A.
Identifiers: ClinVar variation 126664 (VCV000126664.8), dbSNP rs114710547, ClinGen allele CA269545.

ClinVar aggregate classification (germline): Benign/Likely benign. Review status: criteria provided, multiple submitters, no conflicts (2 of 4 stars). 4 submissions from 4 submitters: Benign (1); Likely benign (2). 1 of the submissions does not count toward it. Last evaluated 2023-07-07.

Conditions:
Breast-ovarian cancer, familial, susceptibility to, 5 (BROVCA5). Identifiers: MedGen C5830615, MONDO:0957530, OMIM 620442.
Hereditary breast ovarian cancer syndrome. Also called: BRCA1- and BRCA2-Associated Hereditary Breast and Ovarian Cancer; Hereditary breast and ovarian cancer; Hereditary breast and/or ovarian cancer syndrome; Hereditary breast and ovarian cancer syndrome; Hereditary breast and ovarian cancer syndrome (HBOC); Breast and ovarian cancer. Identifiers: Orphanet 145, MedGen C0677776, MeSH D061325, MONDO:0003582. Disease mechanism: loss of function.
Familial cancer of breast. Also called: BREAST CANCER, FAMILIAL; hereditary breast carcinoma; Hereditary breast cancer. Identifiers: Orphanet 227535, MedGen C0346153, MONDO:0016419, OMIM 114480. Disease mechanism: loss of function.

Allele frequency attached by ClinVar (database versions not stated): gnomAD 0.00812 and 0.00885; 1000 Genomes Project 0.00819; 1000 Genomes Project 30x 0.00890; TOPMed 0.00986.

Submissions (4):

KCCC/NGS Laboratory, Kuwait Cancer Control Center
Classification: Likely benign for Breast-ovarian cancer, familial, susceptibility to, 5. Last evaluated: 2023-07-07. Review status: criteria provided, single submitter. Criteria: ACMG Guidelines, 2015. Collection method: clinical testing. Allele origin: germline. Affected: yes.

National Health Laboratory Service, Universitas Academic Hospital and University of the Free State
Classification: Benign for Hereditary breast ovarian cancer syndrome. Last evaluated: 2022-04-19. Review status: criteria provided, single submitter. Criteria: ACMG Guidelines, 2015. Collection method: clinical testing. Allele origin: germline. Affected: yes. Observed: 29 variant alleles.

GeneDx
Classification: Likely benign. Last evaluated: 2018-06-26. Review status: criteria provided, single submitter. Criteria: GeneDx Variant Classification Process June 2021. Collection method: clinical testing. Allele origin: germline. Affected: yes.

Leiden Open Variation Database
Classification: Likely benign for Familial cancer of breast. Last evaluated: 2019-05-13. Review status: no assertion criteria provided. Collection method: curation. Allele origin: germline. Affected: yes. Not counted in ClinVar's aggregate classification.
Comment: Curators: Marc Tischkowitz, Arleen D. Auerbach. Submitter to LOVD: Marc Tischkowitz.

Literature cited by the submitters: PubMed 22241545 (cited by Leiden Open Variation Database).